The following is an entry in ClinVar:

ClinVar aggregate classification (germline): Uncertain significance. Review status: criteria provided, multiple submitters, no conflicts (2 of 4 stars). 2 submissions from 2 submitters: Uncertain significance (2). Last evaluated 2024-07-07.

Allele frequency attached by ClinVar (database versions not stated): ExAC 0.00001; TOPMed 0.00001.
gnomAD v4.1: 10 of 1,519,372 alleles (0.00066%); highest among the groups gnomAD compares: South Asian, 0.0013%; no homozygotes.

Submissions (2):

Ambry Genetics
Classification: Uncertain significance. Last evaluated: 2024-07-07. Review status: criteria provided, single submitter. Criteria: Ambry Variant Classification Scheme 2023. Collection method: clinical testing. Allele origin: germline.

Labcorp Genetics (formerly Invitae), Labcorp
Classification: Uncertain significance. Last evaluated: 2024-02-24. Review status: criteria provided, single submitter. Criteria: Invitae Variant Classification Sherloc (09022015). Collection method: clinical testing. Allele origin: germline.
Comment: This sequence change replaces glycine, which is neutral and non-polar, with serine, which is neutral and polar, at codon 447 of the IL2RB protein (p.Gly447Ser). This variant is present in population databases (rs767514858, gnomAD 0.007%). This variant has not been reported in the literature in individuals affected with IL2RB-related conditions. ClinVar contains an entry for this variant (Variation ID: 2051961). Algorithms developed to predict the effect of missense changes on protein structure and function output the following: SIFT: "Not Available"; PolyPhen-2: "Benign"; Align-GVGD: "Not Available". The serine amino acid residue is found in multiple mammalian species, which suggests that this missense change does not adversely affect protein function. In summary, the available evidence is currently insufficient to determine the role of this variant in disease. Therefore, it has been classified as a Variant of Uncertain Significance.

NM_000878.5(IL2RB):c.1339G>A (p.Gly447Ser)

Gene: IL2RB (interleukin 2 receptor subunit beta; minus strand). Cytogenetic location: 22q12.3.
Variant type: single nucleotide variant.
Coding change: c.1339G>A on transcript NM_000878.5 (MANE Select); coding-DNA position 1339, G replaced by A.
Protein change: p.Gly447Ser; replaces glycine 447 with serine.
Molecular consequence: missense variant.
Genome position (GRCh38, 1-based): chr22:37,128,413, C>T on the plus strand (G>A on the coding strand, the complement: IL2RB is on the minus strand). VCF-style: chr22-37128413-C-T. GRCh37 (hg19) VCF-style: chr22-37524453-C-T.
Other names: c.1339G>A (NM_000878.2); c.1339G>A, p.Gly447Ser (NM_001346222.1, NM_001346223.2); short protein forms G447S.
Identifiers: ClinVar variation 2051961 (VCV002051961.4), dbSNP rs767514858, ClinGen allele CA10216354.